The following is an entry in ClinVar:

NM_024675.4(PALB2):c.2788A>G (p.Asn930Asp)

Gene: PALB2 (partner and localizer of BRCA2; minus strand). Cytogenetic location: 16p12.2.
Variant type: single nucleotide variant.
Coding change: c.2788A>G on transcript NM_024675.4 (MANE Select); coding-DNA position 2788, A replaced by G.
Protein change: p.Asn930Asp; replaces asparagine 930 with aspartic acid.
Molecular consequence: missense variant.
Genome position (GRCh38, 1-based): chr16:23,624,055, T>C on the plus strand (A>G on the coding strand, the complement: PALB2 is on the minus strand). VCF-style: chr16-23624055-T-C. GRCh37 (hg19) VCF-style: chr16-23635376-T-C.
Other names: c.2788A>G (NM_024675.3); short protein forms N930D.
Identifiers: ClinVar variation 1491888 (VCV001491888.10), dbSNP rs1227325413, ClinGen allele CA395145038.

ClinVar aggregate classification (germline): Conflicting classifications of pathogenicity. Review status: criteria provided, conflicting classifications (1 of 4 stars). 2 submissions from 2 submitters: Uncertain significance (1); Likely benign (1). Last evaluated 2026-02-19.

Conditions:
Familial cancer of breast. Also called: BREAST CANCER, FAMILIAL; Hereditary breast cancer; hereditary breast carcinoma. Identifiers: Orphanet 227535, MedGen C0346153, MONDO:0016419, OMIM 114480. Disease mechanism: loss of function.
Hereditary cancer-predisposing syndrome. Also called: Neoplastic Syndromes, Hereditary; Tumor predisposition; Hereditary Cancer Syndrome; Hereditary neoplastic syndrome. Identifiers: Orphanet 140162, MedGen C0027672, MeSH D009386, MONDO:0015356.

Submissions (2):

Ambry Genetics
Classification: Likely benign for Hereditary cancer-predisposing syndrome. Last evaluated: 2026-02-19. Review status: criteria provided, single submitter. Criteria: Ambry Variant Classification Scheme 2023. Collection method: clinical testing. Allele origin: germline.

Labcorp Genetics (formerly Invitae), Labcorp
Classification: Uncertain significance for Familial cancer of breast. Last evaluated: 2022-01-26. Review status: criteria provided, single submitter. Criteria: Invitae Variant Classification Sherloc (09022015). Collection method: clinical testing. Allele origin: germline.
Comment: This variant is not present in population databases (gnomAD no frequency). This variant has not been reported in the literature in individuals affected with PALB2-related conditions. Algorithms developed to predict the effect of missense changes on protein structure and function output the following: SIFT: "Tolerated"; PolyPhen-2: "Benign"; Align-GVGD: "Class C0". The aspartic acid amino acid residue is found in multiple mammalian species, which suggests that this missense change does not adversely affect protein function. In summary, the available evidence is currently insufficient to determine the role of this variant in disease. Therefore, it has been classified as a Variant of Uncertain Significance. This sequence change replaces asparagine, which is neutral and polar, with aspartic acid, which is acidic and polar, at codon 930 of the PALB2 protein (p.Asn930Asp).